The following is an entry in ClinVar:

NM_001042492.3(NF1):c.3968C>G (p.Pro1323Arg)

Gene: NF1 (neurofibromin 1; plus strand). Cytogenetic location: 17q11.2.
Variant type: single nucleotide variant.
Coding change: c.3968C>G on transcript NM_001042492.3 (MANE Select); coding-DNA position 3968, C replaced by G.
Protein change: p.Pro1323Arg; replaces proline 1323 with arginine.
Molecular consequence: missense variant.
Genome position (GRCh38, 1-based): chr17:31,236,015, C>G. VCF-style: chr17-31236015-C-G. GRCh37 (hg19) VCF-style: chr17-29563033-C-G.
Other names: c.3968C>G, p.Pro1323Arg (NM_000267.4); short protein forms P1323R.
Identifiers: ClinVar variation 2002146 (VCV002002146.4), dbSNP rs2508265449, ClinGen allele CA398993338.

ClinVar aggregate classification (germline): Uncertain significance (1 of 4 stars; one submission).

Conditions:
Neurofibromatosis, type 1 (NF1). Also called: Neurofibromatosis, type I; Peripheral type neurofibromatosis; NEUROFIBROMATOSIS, TYPE I, SOMATIC; VON RECKLINGHAUSEN DISEASE. Identifiers: Orphanet 636, MedGen C0027831, MONDO:0018975, OMIM 162200. Disease mechanism: loss of function.

Submission:

Labcorp Genetics (formerly Invitae), Labcorp
Classification: Uncertain significance for Neurofibromatosis, type 1. Last evaluated: 2022-06-03. Review status: criteria provided, single submitter. Criteria: Invitae Variant Classification Sherloc (09022015). Collection method: clinical testing. Allele origin: germline.
Comment: In summary, the available evidence is currently insufficient to determine the role of this variant in disease. Therefore, it has been classified as a Variant of Uncertain Significance. Advanced modeling of protein sequence and biophysical properties (such as structural, functional, and spatial information, amino acid conservation, physicochemical variation, residue mobility, and thermodynamic stability) performed at Invitae indicates that this missense variant is expected to disrupt NF1 protein function. This variant has not been reported in the literature in individuals affected with NF1-related conditions. This variant is not present in population databases (gnomAD no frequency). This sequence change replaces proline, which is neutral and non-polar, with arginine, which is basic and polar, at codon 1323 of the NF1 protein (p.Pro1323Arg).